The following is an entry in ClinVar:

ClinVar aggregate classification (germline): Uncertain significance (1 of 4 stars; one submission).

gnomAD v4.1: 48 of 1,614,116 alleles (0.003%); highest among the groups gnomAD compares: African/African-American, 0.052%; no homozygotes.

Submission:

GeneDx
Classification: Uncertain significance. Last evaluated: 2025-03-07. Review status: criteria provided, single submitter. Criteria: GeneDx Variant Classification Process June 2021. Collection method: clinical testing. Allele origin: germline. Affected: yes.
Comment: In silico analysis indicates that this variant does not alter splicing; Has not been previously published as pathogenic or benign to our knowledge

NM_000145.4(FSHR):c.1009T>C (p.Leu337=)

Gene: FSHR (follicle stimulating hormone receptor; minus strand). Cytogenetic location: 2p16.3.
Variant type: single nucleotide variant.
Coding change: c.1009T>C on transcript NM_000145.4 (MANE Select); coding-DNA position 1009, T replaced by C.
Protein change: p.Leu337=; no amino-acid change (leucine 337 retained).
Molecular consequence: synonymous variant.
Genome position (GRCh38, 1-based): chr2:48,963,812, A>G on the plus strand (T>C on the coding strand, the complement: FSHR is on the minus strand). VCF-style: chr2-48963812-A-G. GRCh37 (hg19) VCF-style: chr2-49190951-A-G.
Other names: c.931T>C, p.Leu311= (NM_181446.3).
Identifiers: ClinVar variation 4082896 (VCV004082896.1).
Genomic context (GRCh38, chr2:48,963,812, plus strand): 5'-CACATGGGTTGAATGCATCTGGCTTAGGGGAGCAGGTCACGTCAACCACTTCATTGCATA[A>G]GTCATAGTCAAACTCAGTGTACGTCATGTCAAATCCTCTGCTGTAGCTGGACTCATTGTC-3'
Protein context (NP_000136.2, residues 327-347): DMTYTEFDYD[Leu337=]CNEVVDVTCS